The following is an entry in ClinVar:

NM_000937.5(POLR2A):c.3263G>C (p.Gly1088Ala)

Gene: POLR2A (RNA polymerase II subunit A; plus strand). Cytogenetic location: 17p13.1.
Variant type: single nucleotide variant.
Coding change: c.3263G>C on transcript NM_000937.5 (MANE Select); coding-DNA position 3263, G replaced by C.
Protein change: p.Gly1088Ala; replaces glycine 1088 with alanine.
Molecular consequence: missense variant.
Genome position (GRCh38, 1-based): chr17:7,508,273, G>C. VCF-style: chr17-7508273-G-C. GRCh37 (hg19) VCF-style: chr17-7411592-G-C.
Other names: short protein forms G1088A.
Identifiers: ClinVar variation 3345025 (VCV003345025.1).
Genomic context (GRCh38, chr17:7,508,273, plus strand): 5'-AGAGGCGTTGGCTTTGTCTGATGCTAGCTTTTTCTTAGGCGCATCCCGGGGAAATGGTGG[G>C]GGCTCTGGCTGCGCAGTCCCTTGGAGAACCTGCCACCCAGATGACCTTGAATACCTTCCA-3'
Protein context (NP_000928.1, residues 1078-1098): QAIAHPGEMV[Gly1088Ala]ALAAQSLGEP

ClinVar aggregate classification (germline): Uncertain significance (0 of 4 stars; one submission).

Conditions:
POLR2A-related disorder. Also called: POLR2A-related condition.

Submission:

PreventionGenetics, part of Exact Sciences
Classification: Uncertain significance for POLR2A-related condition. Last evaluated: 2024-06-12. Review status: no assertion criteria provided. Collection method: clinical testing. Allele origin: germline.
Comment: The POLR2A c.3263G>C variant is predicted to result in the amino acid substitution p.Gly1088Ala. To our knowledge, this variant has not been reported in the literature or in a large population database, indicating this variant is rare. At this time, the clinical significance of this variant is uncertain due to the absence of conclusive functional and genetic evidence.